The following is an entry in ClinVar:

ClinVar aggregate classification (germline): Benign (1 of 4 stars; one submission).

Conditions:
Breast-ovarian cancer, familial, susceptibility to, 3. Also called: RAD51C-Related Breast/Ovarian Cancer. Identifiers: Orphanet 145, MedGen C3150659, MONDO:0013253, OMIM 613399.

Submission:

Myriad Genetics, Inc.
Classification: Benign for Breast-ovarian cancer, familial, susceptibility to, 3. Last evaluated: 2025-02-19. Review status: criteria provided, single submitter. Criteria: Myriad Autosomal Dominant, Autosomal Recessive and X-Linked Classification Criteria (2023). Collection method: clinical testing. Allele origin: unknown.
Comment: This variant is considered benign. This variant is a silent/synonymous amino acid change and it is not expected to impact splicing.

NM_058216.3(RAD51C):c.957A>T (p.Arg319=)

Gene: RAD51C (RAD51 paralog C; plus strand). Cytogenetic location: 17q22.
Variant type: single nucleotide variant.
Coding change: c.957A>T on transcript NM_058216.3 (MANE Select); coding-DNA position 957, A replaced by T.
Protein change: p.Arg319=; no amino-acid change (arginine 319 retained).
Molecular consequence: synonymous variant. On other transcripts: non-coding transcript variant (1).
Genome position (GRCh38, 1-based): chr17:58,724,092, A>T. VCF-style: chr17-58724092-A-T. GRCh37 (hg19) VCF-style: chr17-56801453-A-T.
Identifiers: ClinVar variation 3903662 (VCV003903662.1).
Genomic context (GRCh38, chr17:58,724,092, plus strand): 5'-ACTCTCAGGGGAAAGTTGGGGACATGCTGCTACAATACGGCTAATCTTTCATTGGGACCG[A>T]AAGCAAAGGTCAGTACAGAAACAAGTTAATAACTCCGAATATTGGGTTAATTATACTGAA-3'
Protein context (NP_478123.1, residues 309-329): ATIRLIFHWD[Arg319=]KQRLATLYKS